The following is an entry in ClinVar:

NM_006348.5(COG5):c.739A>G (p.Ser247Gly)

Gene: COG5 (component of oligomeric golgi complex 5; minus strand). Cytogenetic location: 7q22.3.
Variant type: single nucleotide variant.
Coding change: c.739A>G on transcript NM_006348.5 (MANE Select); coding-DNA position 739, A replaced by G.
Protein change: p.Ser247Gly; replaces serine 247 with glycine.
Molecular consequence: missense variant. On other transcripts: intron variant (2).
Genome position (GRCh38, 1-based): chr7:107,372,691, T>C on the plus strand (A>G on the coding strand, the complement: COG5 is on the minus strand). VCF-style: chr7-107372691-T-C. GRCh37 (hg19) VCF-style: chr7-107013136-T-C.
Other names: c.739A>G, p.Ser247Gly (NM_001161520.2, NM_001379511.1, NM_001379512.1 and 3 more transcripts); c.235-10581A>G (NM_001379516.1); c.539-74345A>G (NM_001379515.1); short protein forms S247G.
Identifiers: ClinVar variation 1030099 (VCV001030099.1), dbSNP rs1261586682, ClinGen allele CA368940908.

ClinVar aggregate classification (germline): Uncertain significance (1 of 4 stars; one submission).

Conditions:
COG5-congenital disorder of glycosylation. Also called: CONGENITAL DISORDER OF GLYCOSYLATION, TYPE IIi; CDG IIi; COG5-CDG. Identifiers: Orphanet 263487, MedGen C3150876, MONDO:0013325, OMIM 613612.

Allele frequency attached by ClinVar (database versions not stated): gnomAD exomes below 0.00001.
gnomAD v4.1: 1 of 1,613,408 alleles (0.000062%); highest among the groups gnomAD compares: Middle Eastern, 0.017%; no homozygotes.

Submission:

Baylor Genetics
Classification: Uncertain significance for COG5-congenital disorder of glycosylation. Last evaluated: 2019-11-27. Review status: criteria provided, single submitter. Criteria: ACMG Guidelines, 2015. Collection method: clinical testing. Allele origin: unknown. Affected: yes.
Comment: This variant was determined to be of uncertain significance according to ACMG Guidelines, 2015 [PMID:25741868].